The following is an entry in ClinVar:

NM_000038.6(APC):c.1409-934C>T

Gene: APC (APC regulator of WNT signaling pathway; plus strand). Cytogenetic location: 5q22.2.
Variant type: single nucleotide variant.
Coding change: c.1409-934C>T on transcript NM_000038.6 (MANE Select); 934 bases into the intron before coding-DNA position 1409, C replaced by T.
Molecular consequence: intron variant.
Genome position (GRCh38, 1-based): chr5:112,826,174, C>T. VCF-style: chr5-112826174-C-T. GRCh37 (hg19) VCF-style: chr5-112161871-C-T.
Other names: c.1409-934C>T (NM_001354895.2, NM_001127510.3); c.1439-934C>T (NM_001354897.2); c.1136-934C>T (NM_001354902.2); c.1355-934C>T (NM_001127511.3); c.1334-934C>T (NM_001354898.2); c.1031-934C>T (NM_001354904.2); c.560-934C>T (NM_001354906.2); c.1463-934C>T (NM_001354896.2); and 5 more.
Identifiers: ClinVar variation 83154 (VCV000083154.2), dbSNP rs79511526, ClinGen allele CA005118.

ClinVar aggregate classification (germline): other (0 of 4 stars; one submission).

Conditions:
Familial colorectal cancer. Identifiers: MedGen CN280943, MONDO:0023113. Disease mechanism: loss of function.

Allele frequency attached by ClinVar (database versions not stated): TOPMed below 0.00001; gnomAD 0.00001.
gnomAD v4.1: 1 of 152,180 alleles (0.00066%); highest among the groups gnomAD compares: Non-Finnish European, 0.0015%; no homozygotes.

Submission:

Systems Biology Platform Zhejiang California International NanoSystems Institute
Classification: other for Familial colorectal cancer. Review status: no assertion criteria provided. Collection method: not provided. Allele origin: unknown.
ClinVar note: Converted during submission from cancer to other.